The following is an entry in ClinVar:

ClinVar aggregate classification (germline): Uncertain significance (1 of 4 stars; one submission).

Conditions:
SLC26A4-related disorder. Also called: SLC26A4-related condition; SLC26A4-related disorders.

Submission:

PreventionGenetics, part of Exact Sciences
Classification: Uncertain significance for SLC26A4-related condition. Last evaluated: 2026-08-07. Review status: criteria provided, single submitter. Criteria: ACMG Guidelines, 2015. Collection method: clinical testing. Allele origin: germline.
Comment: The SLC26A4 c.1583A>T variant is predicted to result in the amino acid substitution p.Asp528Val. To our knowledge, this variant has not been reported in the literature or in a large population database (gnomAD), indicating this variant is rare. At this time, the clinical significance of this variant is uncertain due to the absence of conclusive functional and genetic evidence.

NM_000441.2(SLC26A4):c.1583A>T (p.Asp528Val)

Gene: SLC26A4 (solute carrier family 26 member 4; plus strand). Cytogenetic location: 7q22.3.
Variant type: single nucleotide variant.
Coding change: c.1583A>T on transcript NM_000441.2 (MANE Select); coding-DNA position 1583, A replaced by T.
Protein change: p.Asp528Val; replaces aspartic acid 528 with valine.
Molecular consequence: missense variant.
Genome position (GRCh38, 1-based): chr7:107,698,080, A>T. VCF-style: chr7-107698080-A-T. GRCh37 (hg19) VCF-style: chr7-107338525-A-T.
Other names: short protein forms D528V.
Identifiers: ClinVar variation 4995910 (VCV004995910.1).